The following is an entry in ClinVar:

ClinVar aggregate classification (germline): Uncertain significance (1 of 4 stars; one submission).

Conditions:
BBS7-related disorder. Also called: BBS7-related condition.

gnomAD v4.1: 2 of 1,610,396 alleles (0.00012%); highest among the groups gnomAD compares: Non-Finnish European, 0.00017%; no homozygotes.

Submission:

PreventionGenetics, part of Exact Sciences
Classification: Uncertain significance for BBS7-related condition. Last evaluated: 2025-04-29. Review status: criteria provided, single submitter. Criteria: ACMG Guidelines, 2015. Collection method: clinical testing. Allele origin: germline.
Comment: The BBS7 c.1227A>G variant is predicted to result in the amino acid substitution p.Ile409Met. To our knowledge, this variant has not been reported in the literature. This variant is reported in 0.00088% of alleles in individuals of European (Non-Finnish) descent in gnomAD. At this time, the clinical significance of this variant is uncertain due to the absence of conclusive functional and genetic evidence.

NM_176824.3(BBS7):c.1227A>G (p.Ile409Met)

Gene: BBS7 (Bardet-Biedl syndrome 7; minus strand). Cytogenetic location: 4q27.
Variant type: single nucleotide variant.
Coding change: c.1227A>G on transcript NM_176824.3 (MANE Select); coding-DNA position 1227, A replaced by G.
Protein change: p.Ile409Met; replaces isoleucine 409 with methionine.
Molecular consequence: missense variant.
Genome position (GRCh38, 1-based): chr4:121,845,507, T>C on the plus strand (A>G on the coding strand, the complement: BBS7 is on the minus strand). VCF-style: chr4-121845507-T-C. GRCh37 (hg19) VCF-style: chr4-122766662-T-C.
Other names: c.1227A>G, p.Ile409Met (NM_018190.4); short protein forms I409M.
Identifiers: ClinVar variation 4990129 (VCV004990129.1).